The following is an entry in ClinVar:

ClinVar aggregate classification (germline): Uncertain significance (1 of 4 stars; one submission).

Conditions:
Inborn genetic diseases. Identifiers: MedGen C0950123, MeSH D030342.

gnomAD v4.1: 10 of 1,576,710 alleles (0.00063%); highest among the groups gnomAD compares: Non-Finnish European, 0.000086%; no homozygotes.

Submission:

Ambry Genetics
Classification: Uncertain significance for Inborn genetic diseases. Last evaluated: 2025-11-02. Review status: criteria provided, single submitter. Criteria: Ambry Variant Classification Scheme 2023. Collection method: clinical testing. Allele origin: germline.
Comment: The p.S373N variant (also known as c.1118G>A), located in coding exon 10 of the PAX5 gene, results from a G to A substitution at nucleotide position 1118. The serine at codon 373 is replaced by asparagine, an amino acid with highly similar properties. This amino acid position is conserved. In addition, this alteration is predicted to be deleterious by in silico analysis. Based on the available evidence, the clinical significance of this variant remains unclear.

NM_016734.3(PAX5):c.1118G>A (p.Ser373Asn)

Gene: PAX5 (paired box 5; minus strand). Cytogenetic location: 9p13.2.
Variant type: single nucleotide variant.
Coding change: c.1118G>A on transcript NM_016734.3 (MANE Select); coding-DNA position 1118, G replaced by A.
Protein change: p.Ser373Asn; replaces serine 373 with asparagine.
Molecular consequence: missense variant. On other transcripts: non-coding transcript variant (2).
Genome position (GRCh38, 1-based): chr9:36,840,618, C>T on the plus strand (G>A on the coding strand, the complement: PAX5 is on the minus strand). VCF-style: chr9-36840618-C-T. GRCh37 (hg19) VCF-style: chr9-36840615-C-T.
Other names: c.1016G>A, p.Ser339Asn (NM_001280547.2); c.1031G>A, p.Ser344Asn (NM_001280548.2); c.886G>A, p.Ala296Thr (NM_001280549.2); c.799G>A, p.Ala267Thr (NM_001280550.2); c.605G>A, p.Ser202Asn (NM_001280551.2); c.929G>A, p.Ser310Asn (NM_001280552.2); c.902G>A, p.Ser301Asn (NM_001280553.2); c.989G>A, p.Ser330Asn (NM_001280554.2); and 2 more; short protein forms S273N, S310N, S339N, S202N, S330N, A267T, S265N, S301N.
Identifiers: ClinVar variation 4626956 (VCV004626956.1).
Genomic context (GRCh38, chr9:36,840,618, plus strand): 5'-GGTCAGTGACGGTCATAGGCAGTGGCGGCTGCAGGTGGGGCGGCTCCTCGGGCGGCAGCG[C>T]TATAATAGTAGGGGGAGCCTGGAAGAGACGGGAGAGAGCACCGAGGTCAGATCCGGGGTC-3'
Protein context (NP_057953.1, residues 363-383): PGLLGSPYYY[Ser373Asn]AAARGAAPPA